The following is an entry in ClinVar:

ClinVar aggregate classification (germline): Conflicting classifications of pathogenicity. Review status: criteria provided, conflicting classifications (1 of 4 stars). 5 submissions from 5 submitters: Uncertain significance (4); Likely benign (1). Last evaluated 2026-07-01.

Conditions:
Ehlers-Danlos syndrome, periodontal type 2. Identifiers: MedGen C4310681, MONDO:0014954, OMIM 617174.
Complement component C1s deficiency. Also called: C1s deficiency; Complement 1s deficiency. Identifiers: MedGen C3151078, MONDO:0013419, OMIM 613783.

Allele frequency attached by ClinVar (database versions not stated): 1000 Genomes Project 30x 0.00031; 1000 Genomes Project 0.00040; TOPMed 0.00040; gnomAD exomes 0.00041 and 0.00048; gnomAD 0.00043 and 0.00045; ExAC 0.00049; ESP Exome Variant Server 0.00085.
gnomAD v4.1: 759 of 1,613,802 alleles (0.047%); highest among the groups gnomAD compares: Non-Finnish European, 0.058%; no homozygotes.

Submissions (6):

CeGaT Center for Human Genetics Tuebingen
Classification: Likely benign. Last evaluated: 2026-07-01. Review status: criteria provided, single submitter. Criteria: CeGaT Center For Human Genetics Tuebingen Variant Classification Criteria Version 2. Collection method: clinical testing. Allele origin: germline. Affected: yes. Observed: 4 variant alleles.
Comment: C1S: BP4

Women's Health and Genetics/Laboratory Corporation of America, LabCorp
Classification: Uncertain significance. Last evaluated: 2026-04-21. Review status: criteria provided, single submitter. Criteria: LabCorp Variant Classification Summary - May 2015. Collection method: clinical testing. Allele origin: germline.
Comment: Variant summary: C1S c.100A>G (p.Ser34Gly) results in a non-conservative amino acid change in the encoded protein sequence. Algorithms developed to predict the effect of missense changes on protein structure and function are either unavailable or do not agree on the potential impact of this missense change. The variant allele was found at a frequency of 0.00041 in 251470 control chromosomes. This frequency is not significantly higher than estimated for disease-causing variants in C1S, allowing no conclusion about variant significance. To our knowledge, no occurrence of c.100A>G in individuals affected with C1S-related conditions and no experimental evidence demonstrating its impact on protein function have been reported. ClinVar contains an entry for this variant (Variation ID: 806820). Based on the evidence outlined above, the variant was classified as uncertain significance.

Labcorp Genetics (formerly Invitae), Labcorp
Classification: Uncertain significance. Last evaluated: 2026-01-30. Review status: criteria provided, single submitter. Criteria: Invitae Variant Classification Sherloc (09022015). Collection method: clinical testing. Allele origin: germline.
Comment: This sequence change replaces serine, which is neutral and polar, with glycine, which is neutral and non-polar, at codon 34 of the C1S protein (p.Ser34Gly). This variant is present in population databases (rs148105120, gnomAD 0.08%), and has an allele count higher than expected for a pathogenic variant. This variant has not been reported in the literature in individuals affected with C1S-related conditions. ClinVar contains an entry for this variant (Variation ID: 806820). An algorithm developed to predict the effect of missense changes on protein structure and function (PolyPhen-2) suggests that this variant is likely to be tolerated. In summary, the available evidence is currently insufficient to determine the role of this variant in disease. Therefore, it has been classified as a Variant of Uncertain Significance.

GeneDx
Classification: Uncertain significance. Last evaluated: 2025-06-26. Review status: criteria provided, single submitter. Criteria: GeneDx Variant Classification Process June 2021. Collection method: clinical testing. Allele origin: germline. Affected: yes.
Comment: In silico analysis suggests that this missense variant does not alter protein structure/function; Has not been previously published as pathogenic or benign to our knowledge

Fulgent Genetics
Classification: Uncertain significance for Complement component C1s deficiency; Ehlers-Danlos syndrome, periodontal type 2. Last evaluated: 2022-01-08. Review status: criteria provided, single submitter. Criteria: ACMG Guidelines, 2015. Collection method: clinical testing. Allele origin: unknown.

Dr. Peter K. Rogan Lab, Western University
No classification provided (evidence only). Condition: Uterine corpus endometrial carcinoma. Review status: no classification provided. Collection method: in vitro. Allele origin: not applicable. Functional consequence: retained intron. Not counted in ClinVar's aggregate classification.

NM_001734.5(C1S):c.100A>G (p.Ser34Gly)

Gene: C1S (complement C1s; plus strand). Cytogenetic location: 12p13.31.
Variant type: single nucleotide variant.
Coding change: c.100A>G on transcript NM_001734.5 (MANE Select); coding-DNA position 100, A replaced by G.
Protein change: p.Ser34Gly; replaces serine 34 with glycine.
Molecular consequence: missense variant. On other transcripts: intron variant (1).
Genome position (GRCh38, 1-based): chr12:7,062,569, A>G. VCF-style: chr12-7062569-A-G. GRCh37 (hg19) VCF-style: chr12-7169873-A-G.
Other names: c.100A>G, p.Ser34Gly (NM_201442.4); c.-288-321A>G (NM_001346850.2); c.100A>G (NM_201442.2); short protein forms S34G.
Identifiers: ClinVar variation 806820 (VCV000806820.52), dbSNP rs148105120, ClinGen allele CA6423309.